The following is an entry in ClinVar:

NM_005055.5(RAPSN):c.290G>A (p.Cys97Tyr)

Gene: RAPSN (receptor associated protein of the synapse; minus strand). Cytogenetic location: 11p11.2.
Variant type: single nucleotide variant.
Coding change: c.290G>A on transcript NM_005055.5 (MANE Select); coding-DNA position 290, G replaced by A.
Protein change: p.Cys97Tyr; replaces cysteine 97 with tyrosine.
Molecular consequence: missense variant.
Genome position (GRCh38, 1-based): chr11:47,448,053, C>T on the plus strand (G>A on the coding strand, the complement: RAPSN is on the minus strand). VCF-style: chr11-47448053-C-T. GRCh37 (hg19) VCF-style: chr11-47469605-C-T.
Other names: c.290G>A, p.Cys97Tyr (NM_032645.5); c.290G>A (NM_005055.4); short protein forms C97Y.
Identifiers: ClinVar variation 1427199 (VCV001427199.14), dbSNP rs2153311318, ClinGen allele CA380334633.

ClinVar aggregate classification (germline): Uncertain significance. Review status: criteria provided, multiple submitters, no conflicts (2 of 4 stars). 2 submissions from 2 submitters: Uncertain significance (2). Last evaluated 2020-08-13.

Conditions:
Congenital myasthenic syndrome 11. Also called: Myasthenic syndrome, congenital, 11, associated with acetylcholine receptor deficiency; MYASTHENIC SYNDROME, CONGENITAL, Ie. Identifiers: Orphanet 590, MedGen C4225367, MONDO:0014588, OMIM 616326.
Fetal akinesia deformation sequence 1 (FADS1). Also called: Pena-Shokeir syndrome type I; Fetal akinesia sequence. Identifiers: Orphanet 994, MedGen C1276035, MONDO:0100101, OMIM 208150, HP:0001989.

Submissions (2):

Revvity Omics, Revvity
Classification: Uncertain significance. Last evaluated: 2020-08-13. Review status: criteria provided, single submitter. Criteria: ACMG Guidelines, 2015. Collection method: clinical testing. Allele origin: germline.

Labcorp Genetics (formerly Invitae), Labcorp
Classification: Uncertain significance for Congenital myasthenic syndrome 11; Fetal akinesia deformation sequence 1. Last evaluated: 2020-07-29. Review status: criteria provided, single submitter. Criteria: Invitae Variant Classification Sherloc (09022015). Collection method: clinical testing. Allele origin: germline.
Comment: This sequence change replaces cysteine with tyrosine at codon 97 of the RAPSN protein (p.Cys97Tyr). The cysteine residue is highly conserved and there is a large physicochemical difference between cysteine and tyrosine. This variant is not present in population databases (ExAC no frequency). This variant has not been reported in the literature in individuals with RAPSN-related conditions. Algorithms developed to predict the effect of missense changes on protein structure and function are either unavailable or do not agree on the potential impact of this missense change (SIFT: "Deleterious"; PolyPhen-2: "Probably Damaging"; Align-GVGD: "Class C0"). In summary, the available evidence is currently insufficient to determine the role of this variant in disease. Therefore, it has been classified as a Variant of Uncertain Significance.